The following is an entry in ClinVar:

ClinVar aggregate classification (germline): Uncertain significance (1 of 4 stars; one submission).

Conditions:
Cardiovascular phenotype. Identifiers: MedGen CN230736.

Submission:

Ambry Genetics
Classification: Uncertain significance for Cardiovascular phenotype. Last evaluated: 2024-11-03. Review status: criteria provided, single submitter. Criteria: Ambry Variant Classification Scheme 2023. Collection method: clinical testing. Allele origin: germline.
Comment: The p.Q1243E variant (also known as c.3727C>G), located in coding exon 11 of the AKAP9 gene, results from a C to G substitution at nucleotide position 3727. The glutamine at codon 1243 is replaced by glutamic acid, an amino acid with highly similar properties. This amino acid position is well conserved in available vertebrate species. In addition, this alteration is predicted to be tolerated by in silico analysis. Since supporting evidence is limited at this time, the clinical significance of this alteration remains unclear.

NM_005751.5(AKAP9):c.3727C>G (p.Gln1243Glu)

Gene: AKAP9 (A-kinase anchoring protein 9; plus strand). Cytogenetic location: 7q21.2.
Variant type: single nucleotide variant.
Coding change: c.3727C>G on transcript NM_005751.5 (MANE Select); coding-DNA position 3727, C replaced by G.
Protein change: p.Gln1243Glu; replaces glutamine 1243 with glutamic acid.
Molecular consequence: missense variant.
Genome position (GRCh38, 1-based): chr7:92,016,243, C>G. VCF-style: chr7-92016243-C-G. GRCh37 (hg19) VCF-style: chr7-91645557-C-G.
Other names: c.3727C>G, p.Gln1243Glu (NM_147185.3); short protein forms Q1243E.
Identifiers: ClinVar variation 1734341 (VCV001734341.3), dbSNP rs1460660381, ClinGen allele CA368127091.